The following is an entry in ClinVar:

NM_013275.6(ANKRD11):c.2650del (p.Asp884fs)

Gene: ANKRD11 (ankyrin repeat domain 11; minus strand). Cytogenetic location: 16q24.3.
Variant type: Deletion.
Coding change: c.2650del on transcript NM_013275.6 (MANE Select); coding-DNA position 2650, one base deleted (G; older notation c.2650delG).
Protein change: p.Asp884fs; shifts the reading frame from aspartic acid 884.
Molecular consequence: frameshift variant.
Genome position (GRCh38, 1-based): chr16:89,283,892, C deleted on the plus strand (G on the coding strand, the reverse complement: ANKRD11 is on the minus strand); the first of 2 consecutive C bases (chr16:89,283,892-89,283,893); deleting either gives the same sequence. VCF-style (leftmost placement, unchanged base first): chr16-89283891-TC-T. GRCh37 (hg19) VCF-style: chr16-89350299-TC-T.
Other names: c.2650del, p.Asp884fs (NM_001256182.2, NM_001256183.2); short protein forms D884fs.
Identifiers: ClinVar variation 3237152 (VCV003237152.2), dbSNP rs2544240491.

ClinVar aggregate classification (germline): Pathogenic (0 of 4 stars; one submission).

Conditions:
KBG syndrome (KBGS). Also called: ANKRD11-Related KBG Syndrome. Identifiers: Orphanet 2332, MedGen C0220687, MONDO:0007846, OMIM 148050.

Submission:

The Purple Gene Clinic, Mumbai
Classification: Pathogenic for KBG syndrome. Review status: no assertion criteria provided. Collection method: clinical testing. Allele origin: de novo. Inheritance: Autosomal dominant inheritance. Affected: yes. Observed: 1 heterozygote.
Comment: This sequence change creates a frameshift and premature protein truncation (p.Asp884ThrfsTer93) in the ANKRD11 gene. This variant is absent in gnomAD database. This variant has not been reported in the literature in individuals with ANKRD11-related conditions. Loss-of-function variants in ANKRD11 are known to be pathogenic (PMID: 38515699, 37800809, 37226940). For these reasons, this variant has been classified as Pathogenic.